The following is an entry in ClinVar:

NM_004519.4(KCNQ3):c.404G>T (p.Gly135Val)

Gene: KCNQ3 (potassium voltage-gated channel subfamily Q member 3; minus strand). Cytogenetic location: 8q24.22.
Variant type: single nucleotide variant.
Coding change: c.404G>T on transcript NM_004519.4 (MANE Select); coding-DNA position 404, G replaced by T.
Protein change: p.Gly135Val; replaces glycine 135 with valine.
Molecular consequence: missense variant.
Genome position (GRCh38, 1-based): chr8:132,186,164, C>A on the plus strand (G>T on the coding strand, the complement: KCNQ3 is on the minus strand). VCF-style: chr8-132186164-C-A. GRCh37 (hg19) VCF-style: chr8-133198411-C-A.
Other names: c.404G>T (NM_004519.3); c.44G>T, p.Gly15Val (NM_001204824.2); short protein forms G15V, G135V.
Identifiers: ClinVar variation 1040583 (VCV001040583.9), dbSNP rs1826949634, ClinGen allele CA372291475.

ClinVar aggregate classification (germline): Uncertain significance. Review status: criteria provided, multiple submitters, no conflicts (2 of 4 stars). 2 submissions from 2 submitters: Uncertain significance (2). Last evaluated 2024-11-09.

Conditions:
Benign neonatal seizures. Also called: Benign neonatal familial convulsions; Benign familial neonatal epilepsy; Convulsions benign familial neonatal dominant form; Autosomal dominant form of benign neonatal seizures; Benign familial neonatal seizures. Identifiers: Orphanet 1949, MedGen C0220669, MONDO:0016027.

Allele frequency attached by ClinVar (database versions not stated): TOPMed below 0.00001.
gnomAD v4.1: 3 of 1,613,498 alleles (0.00019%); highest among the groups gnomAD compares: Non-Finnish European, 0.00025%; no homozygotes.

Submissions (2):

GeneDx
Classification: Uncertain significance. Last evaluated: 2024-11-09. Review status: criteria provided, single submitter. Criteria: GeneDx Variant Classification Process June 2021. Collection method: clinical testing. Allele origin: germline. Affected: yes.
Comment: Not observed at significant frequency in large population cohorts (gnomAD); In silico analysis supports that this missense variant has a deleterious effect on protein structure/function; Has not been previously published as pathogenic or benign to our knowledge

Labcorp Genetics (formerly Invitae), Labcorp
Classification: Uncertain significance for Benign neonatal seizures. Last evaluated: 2023-03-02. Review status: criteria provided, single submitter. Criteria: Invitae Variant Classification Sherloc (09022015). Collection method: clinical testing. Allele origin: germline.
Comment: In summary, the available evidence is currently insufficient to determine the role of this variant in disease. Therefore, it has been classified as a Variant of Uncertain Significance. Advanced modeling of protein sequence and biophysical properties (such as structural, functional, and spatial information, amino acid conservation, physicochemical variation, residue mobility, and thermodynamic stability) performed at Invitae indicates that this missense variant is not expected to disrupt KCNQ3 protein function. ClinVar contains an entry for this variant (Variation ID: 1040583). This variant has not been reported in the literature in individuals affected with KCNQ3-related conditions. This variant is not present in population databases (gnomAD no frequency). This sequence change replaces glycine, which is neutral and non-polar, with valine, which is neutral and non-polar, at codon 135 of the KCNQ3 protein (p.Gly135Val).